The following is an entry in ClinVar:

NM_000098.3(CPT2):c.646C>T (p.Gln216Ter)

Gene: CPT2 (carnitine palmitoyltransferase 2; plus strand). Cytogenetic location: 1p32.3.
Variant type: single nucleotide variant.
Coding change: c.646C>T on transcript NM_000098.3 (MANE Select); coding-DNA position 646, C replaced by T.
Protein change: p.Gln216Ter; replaces glutamine 216 with a stop codon.
Molecular consequence: nonsense.
Genome position (GRCh38, 1-based): chr1:53,210,320, C>T. VCF-style: chr1-53210320-C-T. GRCh37 (hg19) VCF-style: chr1-53675992-C-T.
Other names: c.646C>T (NM_000098.2); c.646C>T, p.Gln216Ter (NM_001330589.2); short protein forms Q216*.
Identifiers: ClinVar variation 2708160 (VCV002708160.5), dbSNP rs2525587268, ClinGen allele CA340393059.

ClinVar aggregate classification (germline): Pathogenic/Likely pathogenic. Review status: criteria provided, multiple submitters, no conflicts (2 of 4 stars). 2 submissions from 2 submitters: Pathogenic (1); Likely pathogenic (1). Last evaluated 2025-01-09.

Conditions:
Carnitine palmitoyltransferase II deficiency. Also called: Carnitine Palmitoyltransferase 2 Deficiency. Identifiers: Orphanet 157, MedGen C0342790, MONDO:0015515.

Allele frequency attached by ClinVar (database versions not stated): gnomAD exomes below 0.00001.

Submissions (2):

Natera, Inc.
Classification: Likely pathogenic for Carnitine palmitoyltransferase II deficiency. Last evaluated: 2025-01-09. Review status: criteria provided, single submitter. Criteria: Natera Variant Classification Schema (03/2026). Collection method: clinical testing. Allele origin: germline.
Comment: The c.646C>T variant in CPT2 is a nonsense variant predicted to introduce a stop codon at amino acid 216. This variant is expected to result in nonsense mediated decay, truncation, or a dysfunctional protein product. This variant is rare in the general population with a frequency below the threshold expected for the associated phenotype(s). Given the available evidence, this variant is classified as Likely Pathogenic.

Labcorp Genetics (formerly Invitae), Labcorp
Classification: Pathogenic for Carnitine palmitoyltransferase II deficiency. Last evaluated: 2024-01-07. Review status: criteria provided, single submitter. Criteria: Invitae Variant Classification Sherloc (09022015). Collection method: clinical testing. Allele origin: germline.
Comment: This sequence change creates a premature translational stop signal (p.Gln216*) in the CPT2 gene. It is expected to result in an absent or disrupted protein product. Loss-of-function variants in CPT2 are known to be pathogenic (PMID: 16781677, 16996287). This variant is not present in population databases (gnomAD no frequency). This variant has not been reported in the literature in individuals affected with CPT2-related conditions. For these reasons, this variant has been classified as Pathogenic.

Literature cited by the submitters: PubMed 16781677 (cited by Labcorp Genetics (formerly Invitae), Labcorp); PubMed 16996287 (cited by Labcorp Genetics (formerly Invitae), Labcorp).